The following is an entry in ClinVar:

NM_014915.3(ANKRD26):c.559G>C (p.Val187Leu)

Gene: ANKRD26 (ankyrin repeat domain 26; minus strand). Cytogenetic location: 10p12.1.
Variant type: single nucleotide variant.
Coding change: c.559G>C on transcript NM_014915.3 (MANE Select); coding-DNA position 559, G replaced by C.
Protein change: p.Val187Leu; replaces valine 187 with leucine.
Molecular consequence: missense variant.
Genome position (GRCh38, 1-based): chr10:27,092,485, C>G on the plus strand (G>C on the coding strand, the complement: ANKRD26 is on the minus strand). VCF-style: chr10-27092485-C-G. GRCh37 (hg19) VCF-style: chr10-27381414-C-G.
Other names: c.559G>C, p.Val187Leu (NM_001256053.2); short protein forms V187L.
Identifiers: ClinVar variation 4859305 (VCV004859305.1).
Genomic context (GRCh38, chr10:27,092,485, plus strand): 5'-CATTTACATTTGCTTTTTTCTTTATTAAAAATTCCACCATTTGCTGCTTTTTTCCACTTA[C>G]TGCAAGTAAAAGTGGTGTGAGGTCATCCTGTAAGACAGCAAAAACAAGTTAAAATGCATA-3'
Protein context (NP_055730.2, residues 177-197): KDDLTPLLLA[Val187Leu]SGKKQQMVEF

ClinVar aggregate classification (germline): Uncertain significance (1 of 4 stars; one submission).

Conditions:
Inborn genetic diseases. Identifiers: MedGen C0950123, MeSH D030342.

Submission:

Ambry Genetics
Classification: Uncertain significance for Inborn genetic diseases. Last evaluated: 2026-04-12. Review status: criteria provided, single submitter. Criteria: Ambry Variant Classification Scheme 2023. Collection method: clinical testing. Allele origin: germline.
Comment: The p.V187L variant (also known as c.559G>C), located in coding exon 4 of the ANKRD26 gene, results from a G to C substitution at nucleotide position 559. The valine at codon 187 is replaced by leucine, an amino acid with highly similar properties. This amino acid position is conserved. In addition, this alteration is predicted to be tolerated by in silico analysis. Based on the available evidence, the clinical significance of this variant remains unclear.